The following is an entry in ClinVar:

NM_004360.5(CDH1):c.1044T>C (p.Ala348=)

Gene: CDH1 (cadherin 1; plus strand). Cytogenetic location: 16q22.1.
Variant type: single nucleotide variant.
Coding change: c.1044T>C on transcript NM_004360.5 (MANE Select); coding-DNA position 1044, T replaced by C.
Protein change: p.Ala348=; no amino-acid change (alanine 348 retained).
Molecular consequence: synonymous variant. On other transcripts: 5 prime UTR variant (2).
Genome position (GRCh38, 1-based): chr16:68,812,170, T>C. VCF-style: chr16-68812170-T-C. GRCh37 (hg19) VCF-style: chr16-68846073-T-C.
Other names: c.1044T>C, p.Ala348= (NM_001317184.2); c.-572T>C (NM_001317185.2); c.-776T>C (NM_001317186.2).
Identifiers: ClinVar variation 1775102 (VCV001775102.6), dbSNP rs2152132555, ClinGen allele CA496153028.

ClinVar aggregate classification (germline): Benign/Likely benign. Review status: criteria provided, multiple submitters, no conflicts (2 of 4 stars). 3 submissions from 3 submitters: Benign (1); Likely benign (2). Last evaluated 2024-11-16.

Conditions:
Hereditary diffuse gastric adenocarcinoma (HDGC). Also called: DIFFUSE GASTRIC AND LOBULAR BREAST CANCER SYNDROME. Identifiers: Orphanet 26106, MedGen C1708349, MONDO:0007648, OMIM 137215.
Hereditary cancer-predisposing syndrome. Also called: Tumor predisposition; Neoplastic Syndromes, Hereditary; Hereditary Cancer Syndrome; Hereditary neoplastic syndrome. Identifiers: Orphanet 140162, MedGen C0027672, MeSH D009386, MONDO:0015356.

Submissions (3):

Labcorp Genetics (formerly Invitae), Labcorp
Classification: Likely benign for Hereditary diffuse gastric adenocarcinoma. Last evaluated: 2024-11-16. Review status: criteria provided, single submitter. Criteria: Invitae Variant Classification Sherloc (09022015). Collection method: clinical testing. Allele origin: germline.

Myriad Genetics, Inc.
Classification: Benign for Hereditary diffuse gastric adenocarcinoma. Last evaluated: 2024-09-17. Review status: criteria provided, single submitter. Criteria: Myriad Autosomal Dominant, Autosomal Recessive and X-Linked Classification Criteria (2023). Collection method: clinical testing. Allele origin: unknown.
Comment: This variant is considered benign. This variant is a silent/synonymous amino acid change and it is not expected to impact splicing.

Ambry Genetics
Classification: Likely benign for Hereditary cancer-predisposing syndrome. Last evaluated: 2021-10-06. Review status: criteria provided, single submitter. Criteria: Ambry Variant Classification Scheme 2023. Collection method: clinical testing. Allele origin: germline.